The following is an entry in ClinVar:

ClinVar aggregate classification (germline): Uncertain significance (1 of 4 stars; one submission).

Submission:

Laboratorio de Genetica e Diagnostico Molecular, Hospital Israelita Albert Einstein
Classification: Uncertain significance. Last evaluated: 2021-06-08. Review status: criteria provided, single submitter. Criteria: ACMG Guidelines, 2015. Collection method: clinical testing. Allele origin: germline. Affected: yes.
Comment: ACMG classification criteria: PM2, PP2, PP3

NM_004247.4(EFTUD2):c.1834A>G (p.Lys612Glu)

Gene: EFTUD2 (elongation factor Tu GTP binding domain containing 2; minus strand). Cytogenetic location: 17q21.31.
Variant type: single nucleotide variant.
Coding change: c.1834A>G on transcript NM_004247.4 (MANE Select); coding-DNA position 1834, A replaced by G.
Protein change: p.Lys612Glu; replaces lysine 612 with glutamic acid.
Molecular consequence: missense variant.
Genome position (GRCh38, 1-based): chr17:44,859,931, T>C on the plus strand (A>G on the coding strand, the complement: EFTUD2 is on the minus strand). VCF-style: chr17-44859931-T-C. GRCh37 (hg19) VCF-style: chr17-42937299-T-C.
Other names: c.1729A>G, p.Lys577Glu (NM_001142605.2); c.1834A>G, p.Lys612Glu (NM_001258353.2); c.1804A>G, p.Lys602Glu (NM_001258354.2); short protein forms K577E, K602E, K612E.
Identifiers: ClinVar variation 1690382 (VCV001690382.2), dbSNP rs2145459052, ClinGen allele CA399811786.